The following is an entry in ClinVar:

ClinVar aggregate classification (germline): Uncertain significance (1 of 4 stars; one submission).

Allele frequency attached by ClinVar (database versions not stated): ExAC 0.00002.

Submission:

GeneDx
Classification: Uncertain significance. Last evaluated: 2023-02-21. Review status: criteria provided, single submitter. Criteria: GeneDx Variant Classification Process June 2021. Collection method: clinical testing. Allele origin: germline. Affected: yes.
Comment: In silico analysis supports that this missense variant does not alter protein structure/function; Has not been previously published as pathogenic or benign to our knowledge

NM_001113491.2(SEPTIN9):c.377G>A (p.Gly126Asp)

Gene: SEPTIN9 (septin 9; plus strand). Cytogenetic location: 17q25.3.
Variant type: single nucleotide variant.
Coding change: c.377G>A on transcript NM_001113491.2 (MANE Select); coding-DNA position 377, G replaced by A.
Protein change: p.Gly126Asp; replaces glycine 126 with aspartic acid.
Molecular consequence: missense variant. On other transcripts: 5 prime UTR variant (2).
Genome position (GRCh38, 1-based): chr17:77,402,359, G>A. VCF-style: chr17-77402359-G-A. GRCh37 (hg19) VCF-style: chr17-75398441-G-A.
Other names: c.-116G>A (NM_001113492.2, NM_001113494.1); c.356G>A, p.Gly119Asp (NM_001113493.2); c.320G>A, p.Gly107Asp (NM_001293695.2); c.323G>A, p.Gly108Asp (NM_006640.5); short protein forms G107D, G108D, G119D, G126D.
Identifiers: ClinVar variation 2576758 (VCV002576758.1), dbSNP rs765373402, ClinGen allele CA8793187.
Genomic context (GRCh38, chr17:77,402,359, plus strand): 5'-GGCGCACTGAGCTGTCCATTGACATCTCGTCCAAGCAGGTGGAGAACGCCGGGGCCATCG[G>A]CCCGTCCCGGTTCGGGCTCAAGAGGGCCGAGGTGTTGGGCCACAAGACGCCAGAACCGGC-3'
Protein context (NP_001106963.1, residues 116-136): SKQVENAGAI[Gly126Asp]PSRFGLKRAE